The following is an entry in ClinVar:

NM_001142864.4(PIEZO1):c.4485G>C (p.Glu1495Asp)

Gene: PIEZO1 (piezo type mechanosensitive ion channel component 1 (Er blood group); minus strand). Cytogenetic location: 16q24.3.
Variant type: single nucleotide variant.
Coding change: c.4485G>C on transcript NM_001142864.4 (MANE Select); coding-DNA position 4485, G replaced by C.
Protein change: p.Glu1495Asp; replaces glutamic acid 1495 with aspartic acid.
Molecular consequence: missense variant.
Genome position (GRCh38, 1-based): chr16:88,723,105, C>G on the plus strand (G>C on the coding strand, the complement: PIEZO1 is on the minus strand). VCF-style: chr16-88723105-C-G. GRCh37 (hg19) VCF-style: chr16-88789513-C-G.
Other names: p.Glu1495Asp; short protein forms E1495D.
Identifiers: ClinVar variation 3380424 (VCV003380424.1).

ClinVar aggregate classification (germline): Uncertain significance (1 of 4 stars; one submission).

gnomAD v4.1: 2 of 1,548,192 alleles (0.00013%); highest among the groups gnomAD compares: African/African-American, 0.0027%; no homozygotes.

Submission:

Mayo Clinic Laboratories, Mayo Clinic
Classification: Uncertain significance. Last evaluated: 2024-05-20. Review status: criteria provided, single submitter. Criteria: ACMG Guidelines, 2015. Collection method: clinical testing. Allele origin: germline. Observed: 1 variant allele.
Comment: BP4, PM2_moderate